The following is an entry in ClinVar:

ClinVar aggregate classification (germline): Pathogenic/Likely pathogenic. Review status: criteria provided, multiple submitters, no conflicts (2 of 4 stars). 3 submissions from 3 submitters: Pathogenic (1); Likely pathogenic (1). 1 of the submissions does not count toward it. Last evaluated 2024-04-04.

Conditions:
Methylmalonic acidemia (MMA). Also called: Isolated Methylmalonic Acidemia. Identifiers: MedGen C0268583, MeSH C537358, MONDO:0002012, HP:0002912.
Methylmalonic aciduria due to methylmalonyl-CoA mutase deficiency (MAMM). Also called: Methylmalonic aciduria, mut type. Identifiers: Orphanet 27, MedGen C1855114, MONDO:0009612, OMIM 251000.

Allele frequency attached by ClinVar (database versions not stated): gnomAD exomes below 0.00001 and 0.00001.
gnomAD v4.1: 9 of 1,614,216 alleles (0.00056%); highest among the groups gnomAD compares: Non-Finnish European, 0.00076%; no homozygotes.

Submissions (3):

Women's Health and Genetics/Laboratory Corporation of America, LabCorp
Classification: Likely pathogenic for Methylmalonic acidemia. Last evaluated: 2024-04-04. Review status: criteria provided, single submitter. Criteria: LabCorp Variant Classification Summary - May 2015. Collection method: clinical testing. Allele origin: germline.
Comment: Variant summary: MUT c.299A>G (p.Tyr100Cys) results in a non-conservative amino acid change located in the methylmalonyl-CoA mutase, alpha chain, catalytic domain (IPR006098) of the encoded protein sequence. Five of five in-silico tools predict a damaging effect of the variant on protein function. The variant allele was found at a frequency of 4e-06 in 251430 control chromosomes (gnomAD). c.299A>G has been reported in the literature as a biallelic genotype in individuals affected with Methylmalonic Acidemia (e.g. Lempp_2007, Chu_2016, Han_2020). These data indicate that the variant is likely to be associated with disease. At least one publication reports experimental evidence evaluating an impact on protein function and found that the variant resulted in approximately 60% of normal residual enzyme activity, but greatly reduced cofactor affinity in comparison to the WT protein (Forny_2014). The following publications have been ascertained in the context of this evaluation (PMID: 27233228, 25125334, 31466887, 17113806). ClinVar contains an entry for this variant (Variation ID: 218991). Based on the evidence outlined above, the variant was classified as likely pathogenic.

Labcorp Genetics (formerly Invitae), Labcorp
Classification: Pathogenic. Last evaluated: 2024-03-20. Review status: criteria provided, single submitter. Criteria: Invitae Variant Classification Sherloc (09022015). Collection method: clinical testing. Allele origin: germline.
Comment: This sequence change replaces tyrosine, which is neutral and polar, with cysteine, which is neutral and slightly polar, at codon 100 of the MUT protein (p.Tyr100Cys). This variant is present in population databases (no rsID available, gnomAD 0.0009%). This missense change has been observed in individual(s) with methylmalonic aciduria (PMID: 17113806, 27233228, 31466887). ClinVar contains an entry for this variant (Variation ID: 218991). Advanced modeling of protein sequence and biophysical properties (such as structural, functional, and spatial information, amino acid conservation, physicochemical variation, residue mobility, and thermodynamic stability) performed at Invitae indicates that this missense variant is expected to disrupt MUT protein function with a positive predictive value of 95%. Experimental studies have shown that this missense change affects MUT function (PMID: 25125334). For these reasons, this variant has been classified as Pathogenic.

GeneReviews
No classification provided. Condition: Methylmalonic aciduria due to methylmalonyl-CoA mutase deficiency. Review status: no classification provided. Collection method: literature only. Allele origin: germline. Affected: yes. Not counted in ClinVar's aggregate classification.
Comment: mut¯ enzymatic subtype

Literature cited by the submitters: PubMed 17113806 (cited by Women's Health and Genetics/Laboratory Corporation of America, LabCorp and Labcorp Genetics (formerly Invitae), Labcorp); PubMed 27233228 (cited by Women's Health and Genetics/Laboratory Corporation of America, LabCorp and Labcorp Genetics (formerly Invitae), Labcorp); PubMed 25125334 (cited by Women's Health and Genetics/Laboratory Corporation of America, LabCorp and Labcorp Genetics (formerly Invitae), Labcorp); PubMed 31466887 (cited by Women's Health and Genetics/Laboratory Corporation of America, LabCorp and Labcorp Genetics (formerly Invitae), Labcorp); NCBI Bookshelf NBK1231 (cited by GeneReviews).

NM_000255.4(MMUT):c.299A>G (p.Tyr100Cys)

Gene: MMUT (methylmalonyl-CoA mutase; minus strand). Cytogenetic location: 6p12.3.
Variant type: single nucleotide variant.
Coding change: c.299A>G on transcript NM_000255.4 (MANE Select); coding-DNA position 299, A replaced by G.
Protein change: p.Tyr100Cys; replaces tyrosine 100 with cysteine.
Molecular consequence: missense variant.
Genome position (GRCh38, 1-based): chr6:49,459,168, T>C on the plus strand (A>G on the coding strand, the complement: MMUT is on the minus strand). VCF-style: chr6-49459168-T-C. GRCh37 (hg19) VCF-style: chr6-49426881-T-C.
Other names: short protein forms Y100C.
Identifiers: ClinVar variation 218991 (VCV000218991.12), dbSNP rs864309735, ClinGen allele CA347866.